The following is an entry in ClinVar:

NM_000116.5(TAFAZZIN):c.699+1G>A

Gene: TAFAZZIN (tafazzin, phospholipid-lysophospholipid transacylase; plus strand). Cytogenetic location: Xq28.
Variant type: single nucleotide variant.
Coding change: c.699+1G>A on transcript NM_000116.5 (MANE Select); the canonical splice donor site of the intron after coding-DNA position 699, G replaced by A.
Molecular consequence: splice donor variant.
Genome position (GRCh38, 1-based): chrX:154,420,265, G>A. VCF-style: chrX-154420265-G-A. GRCh37 (hg19) VCF-style: chrX-153648604-G-A.
Other names: c.711+1G>A (NM_001303465.2); c.663+1G>A (NM_001410698.1); c.657+1G>A (NM_181312.4); c.609+1G>A (NM_181311.4); c.567+1G>A (NM_181313.4).
Identifiers: ClinVar variation 373434 (VCV000373434.3), dbSNP rs1057518416, ClinGen allele CA16043192.

ClinVar aggregate classification (germline): Pathogenic (1 of 4 stars; one submission).

Submission:

GeneDx
Classification: Pathogenic. Last evaluated: 2019-08-26. Review status: criteria provided, single submitter. Criteria: GeneDx Variant Classification Process June 2021. Collection method: clinical testing. Allele origin: germline. Affected: yes.
Comment: Canonical splice site variant in a gene for which loss-of-function is a known mechanism of disease; Not observed in large population cohorts (Lek et al., 2016); Has not been previously published as pathogenic or benign to our knowledge